The following is an entry in ClinVar:

ClinVar aggregate classification (germline): Likely benign (1 of 4 stars; one submission).

gnomAD v4.1: 1 of 1,578,044 alleles (0.000063%); no homozygotes.

Submission:

GeneDx
Classification: Likely benign. Last evaluated: 2017-08-31. Review status: criteria provided, single submitter. Criteria: GeneDx Variant Classification (06012015). Collection method: clinical testing. Allele origin: germline. Affected: yes.
Comment: This variant is considered likely benign or benign based on one or more of the following criteria: it is a conservative change, it occurs at a poorly conserved position in the protein, it is predicted to be benign by multiple in silico algorithms, and/or has population frequency not consistent with disease.

NM_001378609.3(OTOGL):c.7047G>C (p.Thr2349=)

Gene: OTOGL (otogelin like; plus strand). Cytogenetic location: 12q21.31.
Variant type: single nucleotide variant.
Coding change: c.7047G>C on transcript NM_001378609.3 (MANE Select); coding-DNA position 7047, G replaced by C.
Protein change: p.Thr2349=; no amino-acid change (threonine 2349 retained).
Molecular consequence: synonymous variant.
Genome position (GRCh38, 1-based): chr12:80,378,033, G>C. VCF-style: chr12-80378033-G-C. GRCh37 (hg19) VCF-style: chr12-80771813-G-C.
Other names: c.6912G>C, p.Thr2304= (NM_001368062.3); c.7047G>C, p.Thr2349= (NM_001378610.3, NM_173591.7).
Identifiers: ClinVar variation 509116 (VCV000509116.1), dbSNP rs2717477, ClinGen allele CA480811494.